The following is an entry in ClinVar:

ClinVar aggregate classification (germline): Uncertain significance. Review status: criteria provided, multiple submitters, no conflicts (2 of 4 stars). 3 submissions from 3 submitters: Uncertain significance (3). Last evaluated 2025-10-07.

Conditions:
LRP5-related disorder. Also called: LRP5-related condition.

Allele frequency attached by ClinVar (database versions not stated): gnomAD exomes below 0.00001 and 0.00001; gnomAD 0.00001; TOPMed 0.00003.
gnomAD v4.1: 11 of 1,613,478 alleles (0.00068%); highest among the groups gnomAD compares: Admixed American, 0.005%; no homozygotes.

Submissions (3):

PreventionGenetics, part of Exact Sciences
Classification: Uncertain significance for LRP5-related condition. Last evaluated: 2025-10-07. Review status: criteria provided, single submitter. Criteria: ACMG Guidelines, 2015. Collection method: clinical testing. Allele origin: germline.
Comment: The LRP5 c.2101C>T variant is predicted to result in the amino acid substitution p.Arg701Cys. This variant has been reported in several individuals with familial exudative vitreoretinopathy (Li et al. 2018. PubMed ID: 30452590; Supplementary Table 2, Chen et al. 2022. PubMed ID: 36018796). This variant is reported in 0.0040% of alleles in individuals of European (Finnish) descent in gnomAD. At this time, the clinical significance of this variant is uncertain due to the absence of conclusive functional and genetic evidence.

Labcorp Genetics (formerly Invitae), Labcorp
Classification: Uncertain significance. Last evaluated: 2025-08-01. Review status: criteria provided, single submitter. Criteria: Invitae Variant Classification Sherloc (09022015). Collection method: clinical testing. Allele origin: germline.
Comment: This sequence change replaces arginine, which is basic and polar, with cysteine, which is neutral and slightly polar, at codon 701 of the LRP5 protein (p.Arg701Cys). This variant is present in population databases (no rsID available, gnomAD 0.004%). This variant has not been reported in the literature in individuals affected with LRP5-related conditions. ClinVar contains an entry for this variant (Variation ID: 861720). Invitae Evidence Modeling of protein sequence and biophysical properties (such as structural, functional, and spatial information, amino acid conservation, physicochemical variation, residue mobility, and thermodynamic stability) has been performed for this missense variant. However, the output from this modeling did not meet the statistical confidence thresholds required to predict the impact of this variant on LRP5 protein function. In summary, the available evidence is currently insufficient to determine the role of this variant in disease. Therefore, it has been classified as a Variant of Uncertain Significance.

Dasa
Classification: Uncertain significance. Last evaluated: 2025-03-17. Review status: criteria provided, single submitter. Criteria: DASA Assertion Criteria. Collection method: clinical testing. Allele origin: germline.
Comment: NM_002335.4(LRP5):c.2101C>T (p.Arg701Cys) is a missense variant that results in the substitution of arginine with cysteine. This variant is rare in population databases. Computational prediction algorithms are consistent with a deleterious effect. The currently available literature and clinical evidence are not sufficient to establish a definitive association between this variant and the reported condition. Therefore, this variant is classified as a variant of uncertain significance.

NM_002335.4(LRP5):c.2101C>T (p.Arg701Cys)

Gene: LRP5 (LDL receptor related protein 5; plus strand). Cytogenetic location: 11q13.2.
Variant type: single nucleotide variant.
Coding change: c.2101C>T on transcript NM_002335.4 (MANE Select); coding-DNA position 2101, C replaced by T.
Protein change: p.Arg701Cys; replaces arginine 701 with cysteine.
Molecular consequence: missense variant.
Genome position (GRCh38, 1-based): chr11:68,409,923, C>T. VCF-style: chr11-68409923-C-T. GRCh37 (hg19) VCF-style: chr11-68177391-C-T.
Other names: c.358C>T, p.Arg120Cys (NM_001291902.2); short protein forms R120C, R701C.
Identifiers: ClinVar variation 861720 (VCV000861720.12), dbSNP rs948033415, ClinGen allele CA224270049.